The following is an entry in ClinVar:

NM_001698.3(AUH):c.736A>G (p.Lys246Glu)

Gene: AUH (AU RNA binding methylglutaconyl-CoA hydratase; minus strand). Cytogenetic location: 9q22.31.
Variant type: single nucleotide variant.
Coding change: c.736A>G on transcript NM_001698.3 (MANE Select); coding-DNA position 736, A replaced by G.
Protein change: p.Lys246Glu; replaces lysine 246 with glutamic acid.
Molecular consequence: missense variant.
Genome position (GRCh38, 1-based): chr9:91,220,912, T>C on the plus strand (A>G on the coding strand, the complement: AUH is on the minus strand). VCF-style: chr9-91220912-T-C. GRCh37 (hg19) VCF-style: chr9-93983194-T-C.
Other names: c.649A>G, p.Lys217Glu (NM_001306190.2); c.409A>G, p.Lys137Glu (NM_001351431.2, NM_001351432.2, NM_001351433.2); short protein forms K217E, K246E, K137E.
Identifiers: ClinVar variation 1502360 (VCV001502360.8), dbSNP rs2131215718, ClinGen allele CA373835220.

ClinVar aggregate classification (germline): Uncertain significance (1 of 4 stars; one submission).

Conditions:
3-methylglutaconic aciduria type 1 (MGCA1). Identifiers: Orphanet 67046, MedGen C0342727, MONDO:0009610, OMIM 250950.

Submission:

Labcorp Genetics (formerly Invitae), Labcorp
Classification: Uncertain significance for 3-methylglutaconic aciduria type 1. Last evaluated: 2024-02-17. Review status: criteria provided, single submitter. Criteria: Invitae Variant Classification Sherloc (09022015). Collection method: clinical testing. Allele origin: germline.
Comment: This sequence change replaces lysine, which is basic and polar, with glutamic acid, which is acidic and polar, at codon 246 of the AUH protein (p.Lys246Glu). This variant is not present in population databases (gnomAD no frequency). This variant has not been reported in the literature in individuals affected with AUH-related conditions. ClinVar contains an entry for this variant (Variation ID: 1502360). Advanced modeling of protein sequence and biophysical properties (such as structural, functional, and spatial information, amino acid conservation, physicochemical variation, residue mobility, and thermodynamic stability) performed at Invitae indicates that this missense variant is not expected to disrupt AUH protein function with a negative predictive value of 80%. In summary, the available evidence is currently insufficient to determine the role of this variant in disease. Therefore, it has been classified as a Variant of Uncertain Significance.